The following is an entry in ClinVar:

NM_001164508.2(NEB):c.3728C>T (p.Ser1243Phe)

Gene: NEB (nebulin; minus strand). Cytogenetic location: 2q23.3.
Variant type: single nucleotide variant.
Coding change: c.3728C>T on transcript NM_001164508.2 (MANE Select); coding-DNA position 3728, C replaced by T.
Protein change: p.Ser1243Phe; replaces serine 1243 with phenylalanine.
Molecular consequence: missense variant.
Genome position (GRCh38, 1-based): chr2:151,677,611, G>A on the plus strand (C>T on the coding strand, the complement: NEB is on the minus strand). VCF-style: chr2-151677611-G-A. GRCh37 (hg19) VCF-style: chr2-152534125-G-A.
Other names: c.3728C>T, p.Ser1243Phe (NM_001164507.2, NM_001271208.2, NM_004543.5); short protein forms S1243F.
Identifiers: ClinVar variation 3403958 (VCV003403958.3).

ClinVar aggregate classification (germline): Uncertain significance. Review status: criteria provided, multiple submitters, no conflicts (2 of 4 stars). 2 submissions from 2 submitters: Uncertain significance (2). Last evaluated 2024-12-16.

Conditions:
Nemaline myopathy 2 (NEM2). Also called: Nemaline myopathy 2, autosomal recessive. Identifiers: MedGen C1850569, MONDO:0009725, OMIM 256030.
Inborn genetic diseases. Identifiers: MedGen C0950123, MeSH D030342.

gnomAD v4.1: 25 of 1,613,830 alleles (0.0015%); highest among the groups gnomAD compares: Non-Finnish European, 0.0019%; no homozygotes.

Submissions (2):

Labcorp Genetics (formerly Invitae), Labcorp
Classification: Uncertain significance for Nemaline myopathy 2. Last evaluated: 2024-12-16. Review status: criteria provided, single submitter. Criteria: Invitae Variant Classification Sherloc (09022015). Collection method: clinical testing. Allele origin: germline.
Comment: This sequence change replaces serine, which is neutral and polar, with phenylalanine, which is neutral and non-polar, at codon 1243 of the NEB protein (p.Ser1243Phe). This variant is present in population databases (rs778686381, gnomAD 0.003%). This variant has not been reported in the literature in individuals affected with NEB-related conditions. Experimental studies and prediction algorithms are not available or were not evaluated, and the functional significance of this variant is currently unknown. In summary, the available evidence is currently insufficient to determine the role of this variant in disease. Therefore, it has been classified as a Variant of Uncertain Significance.

Ambry Genetics
Classification: Uncertain significance for Inborn genetic diseases. Last evaluated: 2024-08-19. Review status: criteria provided, single submitter. Criteria: Ambry Variant Classification Scheme 2023. Collection method: clinical testing. Allele origin: germline.